The following is an entry in ClinVar:

ClinVar aggregate classification (germline): Uncertain significance (1 of 4 stars; one submission).

gnomAD v4.1: 1 of 1,527,652 alleles (0.000065%); no homozygotes.

Submission:

Labcorp Genetics (formerly Invitae), Labcorp
Classification: Uncertain significance. Last evaluated: 2024-07-08. Review status: criteria provided, single submitter. Criteria: Invitae Variant Classification Sherloc (09022015). Collection method: clinical testing. Allele origin: germline.
Comment: This sequence change falls in intron 15 of the SZT2 gene. It does not directly change the encoded amino acid sequence of the SZT2 protein. It affects a nucleotide within the consensus splice site. This variant is not present in population databases (gnomAD no frequency). This variant has not been reported in the literature in individuals affected with SZT2-related conditions. ClinVar contains an entry for this variant (Variation ID: 1396563). Variants that disrupt the consensus splice site are a relatively common cause of aberrant splicing (PMID: 17576681, 9536098). Algorithms developed to predict the effect of sequence changes on RNA splicing suggest that this variant may disrupt the consensus splice site. In summary, the available evidence is currently insufficient to determine the role of this variant in disease. Therefore, it has been classified as a Variant of Uncertain Significance.

Literature cited by the submitters: PubMed 17576681; PubMed 9536098.

NM_001365999.1(SZT2):c.2255+6T>C

Gene: SZT2 (SZT2 subunit of KICSTOR complex; plus strand). Cytogenetic location: 1p34.2.
Variant type: single nucleotide variant.
Coding change: c.2255+6T>C on transcript NM_001365999.1 (MANE Select); 6 bases into the intron after coding-DNA position 2255, T replaced by C.
Molecular consequence: intron variant.
Genome position (GRCh38, 1-based): chr1:43,423,322, T>C. VCF-style: chr1-43423322-T-C. GRCh37 (hg19) VCF-style: chr1-43888993-T-C.
Other names: c.2255+6T>C (NM_015284.4).
Identifiers: ClinVar variation 1396563 (VCV001396563.6), dbSNP rs2153932675, ClinGen allele CA2573132461.